The following is an entry in ClinVar:

ClinVar aggregate classification (germline): Uncertain significance (1 of 4 stars; one submission).

Conditions:
Pulmonary fibrosis and/or bone marrow failure, Telomere-related, 3. Also called: PULMONARY FIBROSIS AND/OR BONE MARROW FAILURE SYNDROME, TELOMERE-RELATED, 3. Identifiers: Orphanet 2032, MedGen C4225346, MONDO:0014613, OMIM 616373.
Dyskeratosis congenita, autosomal recessive 5 (DKCB5). Identifiers: MedGen C3554656, MONDO:0014076, OMIM 615190.

gnomAD v4.1: 2 of 1,583,830 alleles (0.00013%); highest among the groups gnomAD compares: African/African-American, 0.0013%; no homozygotes.

Submission:

Labcorp Genetics (formerly Invitae), Labcorp
Classification: Uncertain significance for Dyskeratosis congenita, autosomal recessive 5; Pulmonary fibrosis and/or bone marrow failure, Telomere-related, 3. Last evaluated: 2024-05-05. Review status: criteria provided, single submitter. Criteria: Invitae Variant Classification Sherloc (09022015). Collection method: clinical testing. Allele origin: germline.
Comment: This sequence change replaces alanine, which is neutral and non-polar, with valine, which is neutral and non-polar, at codon 252 of the RTEL1 protein (p.Ala252Val). The frequency data for this variant in the population databases is considered unreliable, as metrics indicate poor data quality at this position in the gnomAD database. This variant has not been reported in the literature in individuals affected with RTEL1-related conditions. An algorithm developed to predict the effect of missense changes on protein structure and function (PolyPhen-2) suggests that this variant is likely to be disruptive. In summary, the available evidence is currently insufficient to determine the role of this variant in disease. Therefore, it has been classified as a Variant of Uncertain Significance.

NM_001283009.2(RTEL1):c.755C>T (p.Ala252Val)

Genes: RTEL1 (regulator of telomere elongation helicase 1; plus strand), RTEL1-TNFRSF6B (RTEL1-TNFRSF6B readthrough (NMD candidate); plus strand). Cytogenetic location: 20q13.33.
Variant type: single nucleotide variant.
Coding change: c.755C>T on transcript NM_001283009.2 (MANE Select); coding-DNA position 755, C replaced by T.
Protein change: p.Ala252Val; replaces alanine 252 with valine.
Molecular consequence: missense variant. On other transcripts: non-coding transcript variant (1).
Genome position (GRCh38, 1-based): chr20:63,672,611, C>T. VCF-style: chr20-63672611-C-T. GRCh37 (hg19) VCF-style: chr20-62303964-C-T.
Other names: c.86C>T, p.Ala29Val (NM_001283010.1); c.755C>T, p.Ala252Val (NM_016434.4); c.827C>T, p.Ala276Val (NM_032957.5); short protein forms A252V, A276V, A29V.
Identifiers: ClinVar variation 3751515 (VCV003751515.2).